The following is an entry in ClinVar:

NM_003638.3(ITGA8):c.1237A>G (p.Lys413Glu)

Gene: ITGA8 (integrin subunit alpha 8; minus strand). Cytogenetic location: 10p13.
Variant type: single nucleotide variant.
Coding change: c.1237A>G on transcript NM_003638.3 (MANE Select); coding-DNA position 1237, A replaced by G.
Protein change: p.Lys413Glu; replaces lysine 413 with glutamic acid.
Molecular consequence: missense variant.
Genome position (GRCh38, 1-based): chr10:15,644,192, T>C on the plus strand (A>G on the coding strand, the complement: ITGA8 is on the minus strand). VCF-style: chr10-15644192-T-C. GRCh37 (hg19) VCF-style: chr10-15686191-T-C.
Other names: c.1192A>G, p.Lys398Glu (NM_001291494.2); short protein forms K398E, K413E.
Identifiers: ClinVar variation 1954105 (VCV001954105.5), dbSNP rs138321793, ClinGen allele CA5420307.

ClinVar aggregate classification (germline): Uncertain significance (1 of 4 stars; one submission).

Allele frequency attached by ClinVar (database versions not stated): TOPMed 0.00003; ESP Exome Variant Server 0.00015; ExAC 0.00002; gnomAD 0.00003.
gnomAD v4.1: 5 of 1,613,868 alleles (0.00031%); highest among the groups gnomAD compares: African/African-American, 0.004%; no homozygotes.

Submission:

Labcorp Genetics (formerly Invitae), Labcorp
Classification: Uncertain significance. Last evaluated: 2025-06-12. Review status: criteria provided, single submitter. Criteria: Invitae Variant Classification Sherloc (09022015). Collection method: clinical testing. Allele origin: germline.
Comment: This sequence change replaces lysine, which is basic and polar, with glutamic acid, which is acidic and polar, at codon 413 of the ITGA8 protein (p.Lys413Glu). This variant is not present in population databases (gnomAD no frequency). This variant has not been reported in the literature in individuals affected with ITGA8-related conditions. ClinVar contains an entry for this variant (Variation ID: 1954105). An algorithm developed to predict the effect of missense changes on protein structure and function outputs the following: PolyPhen-2: "Benign". The glutamic acid amino acid residue is found in multiple mammalian species, which suggests that this missense change does not adversely affect protein function. In summary, the available evidence is currently insufficient to determine the role of this variant in disease. Therefore, it has been classified as a Variant of Uncertain Significance.